The following is an entry in ClinVar:

NM_002528.7(NTHL1):c.817C>T (p.Leu273Phe)

Gene: NTHL1 (nth like DNA glycosylase 1; minus strand). Cytogenetic location: 16p13.3.
Variant type: single nucleotide variant.
Coding change: c.817C>T on transcript NM_002528.7 (MANE Select); coding-DNA position 817, C replaced by T.
Protein change: p.Leu273Phe; replaces leucine 273 with phenylalanine.
Molecular consequence: missense variant.
Genome position (GRCh38, 1-based): chr16:2,040,022, G>A on the plus strand (C>T on the coding strand, the complement: NTHL1 is on the minus strand). VCF-style: chr16-2040022-G-A. GRCh37 (hg19) VCF-style: chr16-2090023-G-A.
Other names: c.646C>T, p.Leu216Phe (NM_001318193.2); c.487C>T, p.Leu163Phe (NM_001318194.2); c.841C>T (NM_002528.5); short protein forms L163F, L273F, L216F.
Identifiers: ClinVar variation 839780 (VCV000839780.9), dbSNP rs939350999, ClinGen allele CA276760186.
Genomic context (GRCh38, chr16:2,040,022, plus strand): 5'-GGCAGGCGTGGCAGCGAGGGTGCACAGGCAGACAGGTCTGCTGGCCGAAGCCCACCAAGA[G>A]TCCATTGATCTCGTGCCACAGCTCCCTGTGGGGGTGGGGGCTGGGTCAGTGCTGACAGAG-3'
Protein context (NP_002519.2, residues 263-283): PRELWHEING[Leu273Phe]LVGFGQQTCL

ClinVar aggregate classification (germline): Uncertain significance. Review status: criteria provided, multiple submitters, no conflicts (2 of 4 stars). 2 submissions from 2 submitters: Uncertain significance (2). Last evaluated 2023-11-09.

Conditions:
Hereditary cancer-predisposing syndrome. Also called: Neoplastic Syndromes, Hereditary; Tumor predisposition; Hereditary neoplastic syndrome; Hereditary Cancer Syndrome. Identifiers: Orphanet 140162, MedGen C0027672, MeSH D009386, MONDO:0015356.

Allele frequency attached by ClinVar (database versions not stated): gnomAD exomes below 0.00001.
gnomAD v4.1: 3 of 1,612,160 alleles (0.00019%); highest among the groups gnomAD compares: African/African-American, 0.0013%; no homozygotes.

Submissions (2):

Ambry Genetics
Classification: Uncertain significance for Hereditary cancer-predisposing syndrome. Last evaluated: 2023-11-09. Review status: criteria provided, single submitter. Criteria: Ambry Variant Classification Scheme 2023. Collection method: clinical testing. Allele origin: germline.
Comment: The p.L281F variant (also known as c.841C>T), located in coding exon 6 of the NTHL1 gene, results from a C to T substitution at nucleotide position 841. The leucine at codon 281 is replaced by phenylalanine, an amino acid with highly similar properties. This amino acid position is conserved. In addition, this alteration is predicted to be deleterious by in silico analysis. Since supporting evidence is limited at this time, the clinical significance of this alteration remains unclear.

Labcorp Genetics (formerly Invitae), Labcorp
Classification: Uncertain significance. Last evaluated: 2019-04-03. Review status: criteria provided, single submitter. Criteria: Invitae Variant Classification Sherloc (09022015). Collection method: clinical testing. Allele origin: germline.
Comment: This variant is not present in population databases (ExAC no frequency). This variant has not been reported in the literature in individuals with NTHL1-related conditions. Algorithms developed to predict the effect of missense changes on protein structure and function are either unavailable or do not agree on the potential impact of this missense change (SIFT: "Deleterious"; PolyPhen-2: "Probably Damaging"; Align-GVGD: "Class C0"). In summary, the available evidence is currently insufficient to determine the role of this variant in disease. Therefore, it has been classified as a Variant of Uncertain Significance. This sequence change replaces leucine with phenylalanine at codon 281 of the NTHL1 protein (p.Leu281Phe). The leucine residue is moderately conserved and there is a small physicochemical difference between leucine and phenylalanine.